The following is an entry in ClinVar:

NM_001164508.2(NEB):c.2762T>C (p.Leu921Ser)

Gene: NEB (nebulin; minus strand). Cytogenetic location: 2q23.3.
Variant type: single nucleotide variant.
Coding change: c.2762T>C on transcript NM_001164508.2 (MANE Select); coding-DNA position 2762, T replaced by C.
Protein change: p.Leu921Ser; replaces leucine 921 with serine.
Molecular consequence: missense variant.
Genome position (GRCh38, 1-based): chr2:151,684,851, A>G on the plus strand (T>C on the coding strand, the complement: NEB is on the minus strand). VCF-style: chr2-151684851-A-G. GRCh37 (hg19) VCF-style: chr2-152541365-A-G.
Other names: c.2762T>C, p.Leu921Ser (NM_001164507.2, NM_001271208.2, NM_004543.5); short protein forms L921S.
Identifiers: ClinVar variation 837178 (VCV000837178.13), dbSNP rs2099480203, ClinGen allele CA348822082.
Genomic context (GRCh38, chr2:151,684,851, plus strand): 5'-GCATATGCCTTCTTGGCAAGGTCCACATTGATGCTATCAGGGGGGTAGCTGTAACTGTGT[A>G]AGATGTGCTTATAATCAACGTCGCTGGCAATTGCCTGAGATTTCTTAGCTTGAGTGACTT-3'
Protein context (NP_001157980.2, residues 911-931): IASDVDYKHI[Leu921Ser]HSYSYPPDSI

ClinVar aggregate classification (germline): Uncertain significance. Review status: criteria provided, single submitter (1 of 4 stars). 2 submissions from 2 submitters: Uncertain significance (1). 1 of the submissions does not count toward it. Last evaluated 2019-03-18.

Conditions:
Nemaline myopathy 2 (NEM2). Also called: Nemaline myopathy 2, autosomal recessive. Identifiers: MedGen C1850569, MONDO:0009725, OMIM 256030.

Allele frequency attached by ClinVar (database versions not stated): gnomAD exomes below 0.00001.
gnomAD v4.1: 1 of 1,613,492 alleles (0.000062%); highest among the groups gnomAD compares: Non-Finnish European, 0.000085%; no homozygotes.

Submissions (2):

Labcorp Genetics (formerly Invitae), Labcorp
Classification: Uncertain significance for Nemaline myopathy 2. Last evaluated: 2019-03-18. Review status: criteria provided, single submitter. Criteria: Invitae Variant Classification Sherloc (09022015). Collection method: clinical testing. Allele origin: germline.
Comment: This sequence change replaces leucine with serine at codon 921 of the NEB protein (p.Leu921Ser). The leucine residue is moderately conserved and there is a large physicochemical difference between leucine and serine. This variant is not present in population databases (ExAC no frequency). In summary, the available evidence is currently insufficient to determine the role of this variant in disease. Therefore, it has been classified as a Variant of Uncertain Significance. Algorithms developed to predict the effect of missense changes on protein structure and function are either unavailable or do not agree on the potential impact of this missense change (SIFT: "Deleterious"; PolyPhen-2: "Not available"; Align-GVGD: "Class C0"). This variant has not been reported in the literature in individuals with NEB-related conditions.

Natera, Inc.
Classification: Uncertain significance for Nemaline myopathy type 2. Last evaluated: 2021-04-30. Review status: no assertion criteria provided. Collection method: clinical testing. Allele origin: germline. Not counted in ClinVar's aggregate classification.